The following is an entry in ClinVar:

NM_001377137.1(GBF1):c.719T>C (p.Met240Thr)

Gene: GBF1 (golgi brefeldin A resistant guanine nucleotide exchange factor 1; plus strand). Cytogenetic location: 10q24.32.
Variant type: single nucleotide variant.
Coding change: c.719T>C on transcript NM_001377137.1 (MANE Select); coding-DNA position 719, T replaced by C.
Protein change: p.Met240Thr; replaces methionine 240 with threonine.
Molecular consequence: missense variant. On other transcripts: non-coding transcript variant (5).
Genome position (GRCh38, 1-based): chr10:102,358,118, T>C. VCF-style: chr10-102358118-T-C. GRCh37 (hg19) VCF-style: chr10-104117875-T-C.
Other names: p.Met240Thr; c.719T>C, p.Met240Thr (NM_001199378.2, NM_001199379.2, NM_001377138.1 and 13 more transcripts); c.818T>C, p.Met273Thr (NM_001391922.1, NM_001411027.1); c.794T>C, p.Met265Thr (NM_001411003.1); short protein forms M240T, M265T, M273T.
Identifiers: ClinVar variation 3387878 (VCV003387878.15).

ClinVar aggregate classification (germline): Benign. Review status: criteria provided, multiple submitters, no conflicts (2 of 4 stars). 2 submissions from 2 submitters: Benign (2). Last evaluated 2025-08-07.

gnomAD v4.1: 762 of 1,613,100 alleles (0.047%); highest among the groups gnomAD compares: East Asian, 1.4%; 18 homozygotes.

Submissions (2):

Mayo Clinic Laboratories, Mayo Clinic
Classification: Benign. Last evaluated: 2025-08-07. Review status: criteria provided, single submitter. Criteria: ACMG Guidelines, 2015. Collection method: clinical testing. Allele origin: germline. Observed: 1 variant allele.
Comment: BS1, BS2, BP4_moderate

CeGaT Center for Human Genetics Tuebingen
Classification: Benign. Last evaluated: 2024-11-01. Review status: criteria provided, single submitter. Criteria: CeGaT Center For Human Genetics Tuebingen Variant Classification Criteria Version 2. Collection method: clinical testing. Allele origin: germline. Affected: yes. Observed: 1 variant allele.
Comment: GBF1: BP4, BS1, BS2